The following is an entry in ClinVar:

NC_000001.10:g.(?_1249188)_(1284445_?)dup

Genes: CPTP (ceramide-1-phosphate transfer protein; plus strand), DVL1 (dishevelled segment polarity protein 1; minus strand), INTS11 (integrator complex subunit 11; minus strand), TAS1R3 (taste 1 receptor member 3; plus strand). Cytogenetic location: 1p36.33.
Variant type: Duplication.
Identifiers: ClinVar variation 2425111 (VCV002425111.3).

ClinVar aggregate classification (germline): Uncertain significance (1 of 4 stars; one submission).

Submission:

Labcorp Genetics (formerly Invitae), Labcorp
Classification: Uncertain significance. Last evaluated: 2021-12-01. Review status: criteria provided, single submitter. Criteria: Invitae Variant Classification Sherloc (09022015). Collection method: clinical testing. Allele origin: germline.
Comment: A copy number gain of the genomic region encompassing the full coding sequence of the DVL1 gene has been identified. The boundaries of this event are unknown as they extend beyond the assayed region for this gene and therefore may encompass additional genes. As the precise location of this event is unknown, it may be in tandem or it may be located elsewhere in the genome. A similar copy number variant has been observed in individual(s) with DVL1-related conditions (Invitae). In summary, the available evidence is currently insufficient to determine the role of this variant in disease. Therefore, it has been classified as a Variant of Uncertain Significance.